The following is an entry in ClinVar:

ClinVar aggregate classification (germline): Uncertain significance (1 of 4 stars; one submission).

Conditions:
Inborn genetic diseases. Identifiers: MedGen C0950123, MeSH D030342.

Submission:

Ambry Genetics
Classification: Uncertain significance for Inborn genetic diseases. Last evaluated: 2025-05-29. Review status: criteria provided, single submitter. Criteria: Ambry Variant Classification Scheme 2023. Collection method: clinical testing. Allele origin: germline.
Comment: The c.2478-101C>G intronic alteration results from a C to G substitution 101 nucleotides before coding exon 21 in the DIP2C gene. This variant was not reported in population-based cohorts in the Genome Aggregation Database (gnomAD). This nucleotide position is well conserved in available vertebrate species. In silico splice site analysis predicts that this alteration will result in the creation or strengthening of a novel splice donor site. Based on insufficient or conflicting evidence, the clinical significance of this alteration remains unclear.

NM_014974.3(DIP2C):c.2478-101C>G

Gene: DIP2C (disco interacting protein 2 homolog C; minus strand). Cytogenetic location: 10p15.3.
Variant type: single nucleotide variant.
Coding change: c.2478-101C>G on transcript NM_014974.3 (MANE Select); 101 bases into the intron before coding-DNA position 2478, C replaced by G.
Molecular consequence: intron variant.
Genome position (GRCh38, 1-based): chr10:363,412, G>C on the plus strand (C>G on the coding strand, the complement: DIP2C is on the minus strand). VCF-style: chr10-363412-G-C. GRCh37 (hg19) VCF-style: chr10-409352-G-C.
Identifiers: ClinVar variation 4011775 (VCV004011775.1).
Genomic context (GRCh38, chr10:363,412, plus strand): 5'-GCTCATGCAGCCCTCCCTCCGCCATCAGGGGCTCCATAACCATCACTAGTGAGTGACACA[G>C]CTCCAACTACGACTTCAAAACGGCCGCTGTACTTCCGAATTTCCCCACACTCATCAGTAC-3'